The following is an entry in ClinVar:

ClinVar aggregate classification (germline): Uncertain significance (1 of 4 stars; one submission).

Conditions:
Angelman syndrome (AS). Also called: HAPPY PUPPET SYNDROME. Identifiers: Orphanet 72, MedGen C0162635, MONDO:0007113, OMIM 105830. Disease mechanism: loss of function. Inheritance: AS is caused by disruption of maternally imprinted UBE3A located within the 15q11.2-q13 Angelman syndrome/Prader-Willi syndrome (AS/PWS) region., imprinting disorder.

Submission:

Labcorp Genetics (formerly Invitae), Labcorp
Classification: Uncertain significance for Angelman syndrome. Last evaluated: 2024-10-31. Review status: criteria provided, single submitter. Criteria: Invitae Variant Classification Sherloc (09022015). Collection method: clinical testing. Allele origin: germline.
Comment: This sequence change replaces leucine, which is neutral and non-polar, with proline, which is neutral and non-polar, at codon 591 of the UBE3A protein (p.Leu591Pro). This variant is not present in population databases (gnomAD no frequency). This variant has not been reported in the literature in individuals affected with UBE3A-related conditions. Invitae Evidence Modeling of protein sequence and biophysical properties (such as structural, functional, and spatial information, amino acid conservation, physicochemical variation, residue mobility, and thermodynamic stability) indicates that this missense variant is expected to disrupt UBE3A protein function with a positive predictive value of 80%. In summary, the available evidence is currently insufficient to determine the role of this variant in disease. Therefore, it has been classified as a Variant of Uncertain Significance.

NM_130839.5(UBE3A):c.1832T>C (p.Leu611Pro)

Genes: SNHG14 (small nucleolar RNA host gene 14; plus strand), UBE3A (ubiquitin protein ligase E3A; minus strand). Cytogenetic location: 15q11.2.
Variant type: single nucleotide variant.
Coding change: c.1832T>C on transcript NM_130839.5 (MANE Select); coding-DNA position 1832, T replaced by C.
Protein change: p.Leu611Pro; replaces leucine 611 with proline.
Molecular consequence: missense variant. On other transcripts: non-coding transcript variant (1).
Genome position (GRCh38, 1-based): chr15:25,356,818, A>G on the plus strand (T>C on the coding strand, the complement: UBE3A is on the minus strand). VCF-style: chr15-25356818-A-G. GRCh37 (hg19) VCF-style: chr15-25601965-A-G.
Other names: c.1772T>C, p.Leu591Pro (NM_001354523.2, NM_001354526.1, NM_001354539.2 and 17 more transcripts); c.1832T>C, p.Leu611Pro (NM_001354538.2, NM_001354545.2, NM_001354505.1); c.1841T>C, p.Leu614Pro (NM_000462.5); c.1655T>C, p.Leu552Pro (NM_001354546.2); c.581T>C, p.Leu194Pro (NM_001354550.2); c.521T>C, p.Leu174Pro (NM_001354551.2); short protein forms L194P, L591P, L174P, L552P, L614P, L611P.
Identifiers: ClinVar variation 3719950 (VCV003719950.2).